The following is an entry in ClinVar:

NM_007294.4(BRCA1):c.4991T>C (p.Leu1664Pro)

Gene: BRCA1 (BRCA1 DNA repair associated; minus strand). Cytogenetic location: 17q21.31.
Variant type: single nucleotide variant.
Coding change: c.4991T>C on transcript NM_007294.4 (MANE Select); coding-DNA position 4991, T replaced by C.
Protein change: p.Leu1664Pro; replaces leucine 1664 with proline.
Molecular consequence: missense variant. On other transcripts: non-coding transcript variant (1).
Genome position (GRCh38, 1-based): chr17:43,067,691, A>G on the plus strand (T>C on the coding strand, the complement: BRCA1 is on the minus strand). VCF-style: chr17-43067691-A-G. GRCh37 (hg19) VCF-style: chr17-41219708-A-G.
Other names: p.L1664P:CTC>CCC; 5110T>C; c.4778T>C, p.Leu1593Pro (NM_001407571.1, NM_001407894.1, NM_001407895.1 and 12 more transcripts); c.5057T>C, p.Leu1686Pro (NM_001407581.1, NM_001407582.1); c.5054T>C, p.Leu1685Pro (NM_001407583.1, NM_001407585.1, NM_001407587.1 and 1 more transcripts); c.5051T>C, p.Leu1684Pro (NM_001407590.1, NM_001407591.1); c.4991T>C, p.Leu1664Pro (NM_001407593.1, NM_001407594.1, NM_001407596.1 and 8 more transcripts); c.4988T>C, p.Leu1663Pro (NM_001407610.1, NM_001407611.1, NM_001407612.1 and 17 more transcripts); and 72 more; short protein forms L1664P, L1685P, L1617P, L560P, L1368P, L1510P, L1615P, L1622P.
Identifiers: ClinVar variation 37621 (VCV000037621.27), dbSNP rs80357314, ClinGen allele CA003141.
Genomic context (GRCh38, chr17:43,067,691, plus strand): 5'-GTCTCTTCAGTAATTAGATTAGTTAAAGTGATGTGGTGTTTTCTGGCAAACTTGTACACG[A>G]GCATCTGAAATTAAATCAAATATTCCATTATCATGAGTTACCTCTAGCACACAGCTCAGA-3'
Protein context (NP_009225.1, residues 1654-1674): VSGLTPEEFM[Leu1664Pro]VYKFARKHHI

ClinVar aggregate classification (germline): Benign. Review status: reviewed by expert panel (3 of 4 stars). 10 submissions from 10 submitters: Benign (1). 9 of the submissions do not count toward it. Last evaluated 2015-08-10.

Conditions:
BRCA1-related cancer predisposition. Identifiers: MedGen CN377757, MONDO:0700268.
Hereditary cancer-predisposing syndrome. Also called: Tumor predisposition; Neoplastic Syndromes, Hereditary; Hereditary Cancer Syndrome; Hereditary neoplastic syndrome. Identifiers: Orphanet 140162, MedGen C0027672, MeSH D009386, MONDO:0015356.
Hereditary breast ovarian cancer syndrome. Also called: Hereditary breast and ovarian cancer syndrome (HBOC); Hereditary breast and ovarian cancer syndrome; Hereditary breast and ovarian cancer; Hereditary breast and/or ovarian cancer syndrome; Breast and ovarian cancer; BRCA1- and BRCA2-Associated Hereditary Breast and Ovarian Cancer. Identifiers: Orphanet 145, MedGen C0677776, MeSH D061325, MONDO:0003582. Disease mechanism: loss of function.
Breast-ovarian cancer, familial, susceptibility to, 1 (BROVCA1). Also called: OVARIAN CANCER, SUSCEPTIBILITY TO; BRCA1 Hereditary Breast and Ovarian Cancer. Identifiers: Orphanet 145, MedGen C2676676, MONDO:0011450, OMIM 604370. Disease mechanism: loss of function.

Allele frequency attached by ClinVar (database versions not stated): gnomAD exomes below 0.00001; TOPMed below 0.00001; ExAC 0.00001; gnomAD 0.00001.
gnomAD v4.1: 7 of 1,610,422 alleles (0.00043%); highest among the groups gnomAD compares: Non-Finnish European, 0.00059%; no homozygotes.

Submissions (11):

Evidence-based Network for the Interpretation of Germline Mutant Alleles (ENIGMA)
Classification: Benign for Breast-ovarian cancer, familial 1. Last evaluated: 2015-08-10. Review status: reviewed by expert panel. Criteria: ENIGMA BRCA1/2 Classification Criteria (2015). Collection method: curation. Allele origin: germline.
Comment: IARC class based on posterior probability from multifactorial likelihood analysis, thresholds for class as per Plon et al. 2008 (PMID: 18951446). Class 1 based on posterior probability = 0.00000389

Labcorp Genetics (formerly Invitae), Labcorp
Classification: Likely benign for Hereditary breast ovarian cancer syndrome. Last evaluated: 2026-01-22. Review status: criteria provided, single submitter. Criteria: Invitae Variant Classification Sherloc (09022015). Collection method: clinical testing. Allele origin: germline. Not counted in ClinVar's aggregate classification.

Center for Genomic Medicine, Rigshospitalet, Copenhagen University Hospital
Classification: Benign. Last evaluated: 2025-12-29. Review status: criteria provided, single submitter. Criteria: ACMG Guidelines, 2015. Collection method: clinical testing. Allele origin: germline. Not counted in ClinVar's aggregate classification.

All of Us Research Program, National Institutes of Health
Classification: Likely benign for BRCA1-related cancer predisposition. Last evaluated: 2024-09-23. Review status: criteria provided, single submitter. Criteria: ACMG Guidelines, 2015. Collection method: clinical testing. Allele origin: germline. Inheritance: Autosomal dominant inheritance. Observed: 4 variant alleles, 4 heterozygotes. Not counted in ClinVar's aggregate classification.
Comment: This study involves interpretation of variants in research participants for the purpose of population health screening. Participant phenotype was not available at the time of variant classification. Additional details can be found in publication PMID: 35346344, PMCID: PMC8962531

Color Diagnostics, LLC DBA Color Health
Classification: Likely benign for Hereditary cancer-predisposing syndrome. Last evaluated: 2019-04-02. Review status: criteria provided, single submitter. Criteria: ACMG Guidelines, 2015. Collection method: clinical testing. Allele origin: germline. Not counted in ClinVar's aggregate classification.

GeneDx
Classification: Likely benign. Last evaluated: 2018-03-29. Review status: criteria provided, single submitter. Criteria: GeneDx Variant Classification Process June 2021. Collection method: clinical testing. Allele origin: germline. Affected: yes. Not counted in ClinVar's aggregate classification.
Comment: This variant is associated with the following publications: (PMID: 28283652, 17308087, 20378548, 14534301, 20516115, 26727311, 21447777, 15172985, 24489791, 30209399)

Quest Diagnostics Nichols Institute San Juan Capistrano
Classification: Likely benign. Last evaluated: 2018-03-22. Review status: criteria provided, single submitter. Criteria: Quest Diagnostics criteria. Collection method: clinical testing. Allele origin: germline. Not counted in ClinVar's aggregate classification.

Ambry Genetics
Classification: Benign for Hereditary cancer-predisposing syndrome. Last evaluated: 2015-12-18. Review status: criteria provided, single submitter. Criteria: Ambry Variant Classification Scheme 2023. Collection method: clinical testing. Allele origin: germline. Not counted in ClinVar's aggregate classification.

Sharing Clinical Reports Project (SCRP)
Classification: Benign for Breast-ovarian cancer, familial 1. Last evaluated: 2012-05-01. Review status: no assertion criteria provided. Collection method: clinical testing. Allele origin: germline. Not counted in ClinVar's aggregate classification.

Breast Cancer Information Core (BIC) (BRCA1)
Classification: Uncertain significance for Breast-ovarian cancer, familial 1. Last evaluated: 2002-05-29. Review status: no assertion criteria provided. Collection method: clinical testing. Allele origin: germline. Affected: yes. Observed: 5 variant alleles. Not counted in ClinVar's aggregate classification.

Brotman Baty Institute, University of Washington
No classification provided (evidence only). Condition: Breast-ovarian cancer, familial 1. Review status: no classification provided. Collection method: in vitro. Allele origin: not applicable. Functional consequence: functionally_normal. Not counted in ClinVar's aggregate classification.
ClinVar note: "not provided" was previously submitted as the classification for the variant. However, the classification appeared to be based only on an observation of functional data so it was converted to no classification on 2025-07-30.

Literature cited by the submitters: PubMed 24212087 (cited by Evidence-based Network for the Interpretation of Germline Mutant Alleles (ENIGMA)); PubMed 17308087 (cited by Ambry Genetics); PubMed 20378548 (cited by Ambry Genetics).